The following is an entry in ClinVar:

ClinVar aggregate classification (germline): Likely benign. Review status: criteria provided, multiple submitters, no conflicts (2 of 4 stars). 2 submissions from 2 submitters: Likely benign (2). Last evaluated 2023-11-02.

Conditions:
Cardiomyopathy (CMYO). Also called: Cardiomyopathies. Identifiers: Orphanet 167848, MedGen C0878544, MONDO:0004994, HP:0001638. Inheritance: Various modes of inheritance.
Catecholaminergic polymorphic ventricular tachycardia (CVPT). Also called: Catecholamine-induced polymorphic ventricular tachycardia. Identifiers: Orphanet 3286, MedGen C5574922, MONDO:0017990.

Allele frequency attached by ClinVar (database versions not stated): TOPMed below 0.00001; ESP Exome Variant Server 0.00008.

Submissions (2):

All of Us Research Program, National Institutes of Health
Classification: Likely benign for Catecholaminergic polymorphic ventricular tachycardia. Last evaluated: 2023-11-02. Review status: criteria provided, single submitter. Criteria: ACMG Guidelines, 2015. Collection method: clinical testing. Allele origin: germline. Inheritance: Autosomal dominant inheritance. Observed: 1 variant allele, 1 heterozygote.
Comment: This study involves interpretation of variants in research participants for the purpose of population health screening. Participant phenotype was not available at the time of variant classification. Additional details can be found in publication PMID: 35346344, PMCID: PMC8962531

Color Diagnostics, LLC DBA Color Health
Classification: Likely benign for Cardiomyopathy. Last evaluated: 2021-08-23. Review status: criteria provided, single submitter. Criteria: ACMG Guidelines, 2015. Collection method: clinical testing. Allele origin: germline.

NM_001035.3(RYR2):c.1927T>C (p.Leu643=)

Gene: RYR2 (ryanodine receptor 2; plus strand). Cytogenetic location: 1q43.
Variant type: single nucleotide variant.
Coding change: c.1927T>C on transcript NM_001035.3 (MANE Select); coding-DNA position 1927, T replaced by C.
Protein change: p.Leu643=; no amino-acid change (leucine 643 retained).
Molecular consequence: synonymous variant.
Genome position (GRCh38, 1-based): chr1:237,493,053, T>C. VCF-style: chr1-237493053-T-C. GRCh37 (hg19) VCF-style: chr1-237656353-T-C.
Identifiers: ClinVar variation 2774252 (VCV002774252.3), dbSNP rs368918887, ClinGen allele CA39821270.
Genomic context (GRCh38, chr1:237,493,053, plus strand): 5'-GTTGCAGTCCGTTCTAACCAGCATCTCATCTGTGACAATCTCCTACCAGGAAGAGACTTG[T>C]TATTGCAGACACGTCTTGTGAACCATGTCAGCAGGTAAATTCAGACAGACAATGTCACCT-3'
Protein context (NP_001026.2, residues 633-653): CDNLLPGRDL[Leu643=]LQTRLVNHVS